The following is an entry in ClinVar:

ClinVar aggregate classification (germline): Likely benign (1 of 4 stars; one submission).

gnomAD v4.1: 138 of 1,614,254 alleles (0.0085%); highest among the groups gnomAD compares: East Asian, 0.24%; no homozygotes.

Submission:

CeGaT Center for Human Genetics Tuebingen
Classification: Likely benign. Last evaluated: 2026-01-01. Review status: criteria provided, single submitter. Criteria: CeGaT Center For Human Genetics Tuebingen Variant Classification Criteria Version 2. Collection method: clinical testing. Allele origin: germline. Affected: yes. Observed: 1 variant allele.
Comment: TTC21A: BP4, BP7

NM_001366900.1(TTC21A):c.3507G>A (p.Gln1169=)

Gene: TTC21A (tetratricopeptide repeat domain 21A; plus strand). Cytogenetic location: 3p22.2.
Variant type: single nucleotide variant.
Coding change: c.3507G>A on transcript NM_001366900.1 (MANE Select); coding-DNA position 3507, G replaced by A.
Protein change: p.Gln1169=; no amino-acid change (glutamine 1169 retained).
Molecular consequence: synonymous variant. On other transcripts: non-coding transcript variant (3).
Genome position (GRCh38, 1-based): chr3:39,137,542, G>A. VCF-style: chr3-39137542-G-A. GRCh37 (hg19) VCF-style: chr3-39179033-G-A.
Other names: c.3384G>A, p.Gln1128= (NM_001105513.3); c.3531G>A, p.Gln1177= (NM_001366899.1); c.3528G>A, p.Gln1176= (NM_145755.3).
Identifiers: ClinVar variation 4821923 (VCV004821923.4).
Genomic context (GRCh38, chr3:39,137,542, plus strand): 5'-GTAGAAGGACAGCGTCCCTGCCCTGCTGGCCTTGGCACAAGCCTACGTGTTCCTGAAGCA[G>A]ATCCCCAAGGCGCGTATGCAGTTGAAGCGCCTGGCCAAGACCCCCTGGGTGCTGAGTGAG-3'
Protein context (NP_001353829.1, residues 1159-1179): ALAQAYVFLK[Gln1169=]IPKARMQLKR